The following is an entry in ClinVar:

NM_015046.7(SETX):c.2789G>A (p.Ser930Asn)

Gene: SETX (senataxin; minus strand). Cytogenetic location: 9q34.13.
Variant type: single nucleotide variant.
Coding change: c.2789G>A on transcript NM_015046.7 (MANE Select); coding-DNA position 2789, G replaced by A.
Protein change: p.Ser930Asn; replaces serine 930 with asparagine.
Molecular consequence: missense variant.
Genome position (GRCh38, 1-based): chr9:132,328,809, C>T on the plus strand (G>A on the coding strand, the complement: SETX is on the minus strand). VCF-style: chr9-132328809-C-T. GRCh37 (hg19) VCF-style: chr9-135204196-C-T.
Other names: c.2789G>A, p.Ser930Asn (NM_001351527.2, NM_001351528.2); short protein forms S930N.
Identifiers: ClinVar variation 3047126 (VCV003047126.2), dbSNP rs1311693903, ClinGen allele CA375333821.
Genomic context (GRCh38, chr9:132,328,809, plus strand): 5'-GATTTAGGACTGATGTCAGGGGCCTGTTCTCTTGTCAAGTTAGAATAAATCACACTGGTA[C>T]TATTACTCATCTCCTCATCTCTTGATTCAGGTACAGTCATAAGATCTTTAAAGGGAGATG-3'
Protein context (NP_055861.3, residues 920-940): PESRDEEMSN[Ser930Asn]TSVIYSNLTR

ClinVar aggregate classification (germline): Uncertain significance (0 of 4 stars; one submission).

Conditions:
SETX-related disorder. Also called: SETX-related disorders; SETX-related condition. Identifiers: MedGen CN239403.

Allele frequency attached by ClinVar (database versions not stated): TOPMed 0.00001.

Submission:

PreventionGenetics, part of Exact Sciences
Classification: Uncertain significance for SETX-related condition. Last evaluated: 2023-11-28. Review status: no assertion criteria provided. Collection method: clinical testing. Allele origin: germline.
Comment: The SETX c.2789G>A variant is predicted to result in the amino acid substitution p.Ser930Asn. To our knowledge, this variant has not been reported in the literature or in a large population database, indicating this variant is rare. At this time, the clinical significance of this variant is uncertain due to the absence of conclusive functional and genetic evidence.